The following is an entry in ClinVar:

ClinVar aggregate classification (germline): Pathogenic (1 of 4 stars; one submission).

Submission:

Labcorp Genetics (formerly Invitae), Labcorp
Classification: Pathogenic. Last evaluated: 2025-03-17. Review status: criteria provided, single submitter. Criteria: Invitae Variant Classification Sherloc (09022015). Collection method: clinical testing. Allele origin: germline.
Comment: This sequence change creates a premature translational stop signal (p.Trp589*) in the TSPEAR gene. It is expected to result in an absent or disrupted protein product. Loss-of-function variants in TSPEAR are known to be pathogenic (PMID: 34042254). This variant is present in population databases (no rsID available, gnomAD 0.003%). This variant has not been reported in the literature in individuals affected with TSPEAR-related conditions. For these reasons, this variant has been classified as Pathogenic.

Literature cited by the submitters: PubMed 34042254.

NM_144991.3(TSPEAR):c.1766G>A (p.Trp589Ter)

Gene: TSPEAR (thrombospondin type laminin G domain and EAR repeats; minus strand). Cytogenetic location: 21q22.3.
Variant type: single nucleotide variant.
Coding change: c.1766G>A on transcript NM_144991.3 (MANE Select); coding-DNA position 1766, G replaced by A.
Protein change: p.Trp589Ter; replaces tryptophan 589 with a stop codon.
Molecular consequence: nonsense.
Genome position (GRCh38, 1-based): chr21:44,504,870, C>T on the plus strand (G>A on the coding strand, the complement: TSPEAR is on the minus strand). VCF-style: chr21-44504870-C-T. GRCh37 (hg19) VCF-style: chr21-45924753-C-T.
Other names: c.1562G>A, p.Trp521Ter (NM_001272037.2); short protein forms W521*, W589*.
Identifiers: ClinVar variation 3621093 (VCV003621093.2).